The following is an entry in ClinVar:

Conditions:
Breast-ovarian cancer, familial, susceptibility to, 1 (BROVCA1). Also called: BRCA1 Hereditary Breast and Ovarian Cancer; OVARIAN CANCER, SUSCEPTIBILITY TO. Identifiers: Orphanet 145, MedGen C2676676, MONDO:0011450, OMIM 604370. Disease mechanism: loss of function.

Submission:

Brotman Baty Institute, University of Washington
No classification provided (evidence only). Condition: Breast-ovarian cancer, familial 1. Review status: no classification provided. Collection method: in vitro. Allele origin: not applicable. Functional consequence: functionally_normal.
ClinVar note: "not provided" was previously submitted as the classification for the variant. However, the classification appeared to be based only on an observation of functional data so it was converted to no classification on 2025-07-30.

NM_007294.4(BRCA1):c.5406+15C>G

Gene: BRCA1 (BRCA1 DNA repair associated; minus strand). Cytogenetic location: 17q21.31.
Variant type: single nucleotide variant.
Coding change: c.5406+15C>G on transcript NM_007294.4 (MANE Select); 15 bases into the intron after coding-DNA position 5406, C replaced by G.
Molecular consequence: intron variant.
Genome position (GRCh38, 1-based): chr17:43,049,106, G>C on the plus strand (C>G on the coding strand, the complement: BRCA1 is on the minus strand). VCF-style: chr17-43049106-G-C. GRCh37 (hg19) VCF-style: chr17-41201123-G-C.
Other names: c.1953+15C>G (NM_001408458.1, NM_001408461.1, NM_001408464.1 and 7 more transcripts); c.4515+15C>G (NM_001407967.1); c.5025+15C>G (NM_001407959.1); c.5139+15C>G (NM_001407931.1, NM_001407932.1, NM_001407928.1 and 4 more transcripts); c.5262+15C>G (NM_001407747.1, NM_001407745.1, NM_001407737.1 and 18 more transcripts); c.5022+15C>G (NM_001407962.1, NM_001407960.1); c.1593+15C>G (NM_001408512.1); c.1716+15C>G (NM_001408510.1); and 84 more.
Identifiers: ClinVar variation 865442 (VCV000865442.3), dbSNP rs1057522056, ClinGen allele CA916080820.